The following is an entry in ClinVar:

ClinVar aggregate classification (germline): Benign. Review status: criteria provided, multiple submitters, no conflicts (2 of 4 stars). 7 submissions from 7 submitters: Benign (6). 1 of the submissions does not count toward it. Last evaluated 2026-02-04.

Conditions:
DNAH11-related disorder. Also called: DNAH11-related condition.
Primary ciliary dyskinesia. Also called: Ciliary dyskinesia. Identifiers: Orphanet 244, MedGen C0008780, MONDO:0016575, HP:0012265.
Primary ciliary dyskinesia 7. Also called: CILIARY DYSKINESIA, PRIMARY, 7, WITH OR WITHOUT SITUS INVERSUS. Identifiers: Orphanet 244, MedGen C2678473, MONDO:0012748, OMIM 611884.

Allele frequency attached by ClinVar (database versions not stated): gnomAD exomes 0.00180 and 0.00679; gnomAD 0.00229 and 0.00260; ExAC 0.00579; ESP Exome Variant Server 0.00008; 1000 Genomes Project 30x 0.01046; TOPMed 0.00482; 1000 Genomes Project 0.00978.
gnomAD v4.1: 3,002 of 1,609,772 alleles (0.19%); highest among the groups gnomAD compares: Admixed American, 4.1%; 64 homozygotes.

Submissions (7):

Labcorp Genetics (formerly Invitae), Labcorp
Classification: Benign for Primary ciliary dyskinesia. Last evaluated: 2026-02-04. Review status: criteria provided, single submitter. Criteria: Invitae Variant Classification Sherloc (09022015). Collection method: clinical testing. Allele origin: germline.

Mayo Clinic Laboratories, Mayo Clinic
Classification: Benign. Last evaluated: 2025-09-15. Review status: criteria provided, single submitter. Criteria: ACMG Guidelines, 2015. Collection method: clinical testing. Allele origin: germline. Observed: 2 variant alleles.
Comment: BS1, BS2, BP4_moderate

ARUP Laboratories, Molecular Genetics and Genomics, ARUP Laboratories
Classification: Benign for Primary ciliary dyskinesia 7. Last evaluated: 2023-10-12. Review status: criteria provided, single submitter. Criteria: ARUP Molecular Germline Variant Investigation Process 2024. Collection method: clinical testing. Allele origin: germline.

Fulgent Genetics
Classification: Benign for Primary ciliary dyskinesia 7. Last evaluated: 2021-09-21. Review status: criteria provided, single submitter. Criteria: ACMG Guidelines, 2015. Collection method: clinical testing. Allele origin: unknown.

Eurofins Ntd Llc (ga)
Classification: Benign. Last evaluated: 2015-07-01. Review status: criteria provided, single submitter. Criteria: EGL Classification Definitions 2015. Collection method: clinical testing. Allele origin: germline. Observed: 1 variant allele, 1 heterozygote.

Laboratory for Molecular Medicine, Mass General Brigham Personalized Medicine
Classification: Benign. Last evaluated: 2013-02-21. Review status: criteria provided, single submitter. Criteria: LMM Criteria. Collection method: clinical testing. Allele origin: germline. Observed: 1 variant allele.
Comment: Val1477Ala in exon 25 of DNAH11: This variant is not expected to have clinical significance because it has been identified in 6.1% (8/132) of Mexican chromosomes from a broad population by the 1000 Genomes Project (dbSNP rs72657320).

PreventionGenetics, part of Exact Sciences
Classification: Likely benign for DNAH11-related condition. Last evaluated: 2023-11-29. Review status: no assertion criteria provided. Collection method: clinical testing. Allele origin: germline. Not counted in ClinVar's aggregate classification.
Comment: This variant is classified as likely benign based on ACMG/AMP sequence variant interpretation guidelines (Richards et al. 2015 PMID: 25741868, with internal and published modifications).

NM_001277115.2(DNAH11):c.4430T>C (p.Val1477Ala)

Gene: DNAH11 (dynein axonemal heavy chain 11; plus strand). Cytogenetic location: 7p15.3.
Variant type: single nucleotide variant.
Coding change: c.4430T>C on transcript NM_001277115.2 (MANE Select); coding-DNA position 4430, T replaced by C.
Protein change: p.Val1477Ala; replaces valine 1477 with alanine.
Molecular consequence: missense variant.
Genome position (GRCh38, 1-based): chr7:21,620,008, T>C. VCF-style: chr7-21620008-T-C. GRCh37 (hg19) VCF-style: chr7-21659626-T-C.
Other names: short protein forms V1477A.
Identifiers: ClinVar variation 93689 (VCV000093689.28), dbSNP rs72657320, ClinGen allele CA221635.